The following is an entry in ClinVar:

NM_058195.4(CDKN2A):c.137T>G (p.Val46Gly)

Gene: CDKN2A (cyclin dependent kinase inhibitor 2A; minus strand). Cytogenetic location: 9p21.3.
Variant type: single nucleotide variant.
Coding change: c.137T>G on transcript NM_058195.4 (MANE Plus Clinical); coding-DNA position 137, T replaced by G.
Protein change: p.Val46Gly; replaces valine 46 with glycine.
Molecular consequence: missense variant. On other transcripts: intron variant (1).
Genome position (GRCh38, 1-based): chr9:21,994,195, A>C on the plus strand (T>G on the coding strand, the complement: CDKN2A is on the minus strand). VCF-style: chr9-21994195-A-C. GRCh37 (hg19) VCF-style: chr9-21994194-A-C.
Other names: c.-4+626T>G (NM_001363763.2); short protein forms V46G.
Identifiers: ClinVar variation 3228934 (VCV003228934.1), dbSNP rs2489327109, ClinGen allele CA373086874.

ClinVar aggregate classification (germline): Uncertain significance (1 of 4 stars; one submission).

Conditions:
Hereditary cancer-predisposing syndrome. Also called: Tumor predisposition; Hereditary Cancer Syndrome; Hereditary neoplastic syndrome; Neoplastic Syndromes, Hereditary. Identifiers: Orphanet 140162, MedGen C0027672, MeSH D009386, MONDO:0015356.

Submission:

Ambry Genetics
Classification: Uncertain significance for Hereditary cancer-predisposing syndrome. Last evaluated: 2024-02-29. Review status: criteria provided, single submitter. Criteria: Ambry Variant Classification Scheme 2023. Collection method: clinical testing. Allele origin: germline.
Comment: The p.V46G variant (also known as c.137T>G), located in coding exon 1 of the CDKN2A gene, results from a T to G substitution at nucleotide position 137. The valine at codon 46 is replaced by glycine, an amino acid with dissimilar properties. This amino acid position is well conserved in available vertebrate species. In addition, this alteration is predicted to be deleterious by in silico analysis. Based on the available evidence, the clinical significance of this alteration remains unclear.